The following is an entry in ClinVar:

NM_000088.4(COL1A1):c.2159G>T (p.Ser720Ile)

Gene: COL1A1 (collagen type I alpha 1 chain; minus strand). Cytogenetic location: 17q21.33.
Variant type: single nucleotide variant.
Coding change: c.2159G>T on transcript NM_000088.4 (MANE Select); coding-DNA position 2159, G replaced by T.
Protein change: p.Ser720Ile; replaces serine 720 with isoleucine.
Molecular consequence: missense variant.
Genome position (GRCh38, 1-based): chr17:50,191,459, C>A on the plus strand (G>T on the coding strand, the complement: COL1A1 is on the minus strand). VCF-style: chr17-50191459-C-A. GRCh37 (hg19) VCF-style: chr17-48268820-C-A.
Other names: short protein forms S720I.
Identifiers: ClinVar variation 3019926 (VCV003019926.3), dbSNP rs1907070753, ClinGen allele CA400211300.

ClinVar aggregate classification (germline): Uncertain significance (1 of 4 stars; one submission).

Conditions:
Osteogenesis imperfecta type I (OI1). Also called: Lobstein disease; OI, TYPE I; OSTEOGENESIS IMPERFECTA TARDA; OSTEOGENESIS IMPERFECTA WITH BLUE SCLERAE; Classic Non-deforming Osteogenesis Imperfecta with Blue Sclerae; Osteogenesis imperfecta type 1. Identifiers: Orphanet 216796, Orphanet 666, MedGen C0023931, MONDO:0008146, OMIM 166200. Disease mechanism: loss of function.

gnomAD v4.1: 1 of 1,606,324 alleles (0.000062%); highest among the groups gnomAD compares: Non-Finnish European, 0.000085%; no homozygotes.

Submission:

Labcorp Genetics (formerly Invitae), Labcorp
Classification: Uncertain significance for Osteogenesis imperfecta type I. Last evaluated: 2025-12-16. Review status: criteria provided, single submitter. Criteria: Invitae Variant Classification Sherloc (09022015). Collection method: clinical testing. Allele origin: germline.
Comment: This sequence change replaces serine, which is neutral and polar, with isoleucine, which is neutral and non-polar, at codon 720 of the COL1A1 protein (p.Ser720Ile). This variant is not present in population databases (gnomAD no frequency). This variant has not been reported in the literature in individuals affected with COL1A1-related conditions. ClinVar contains an entry for this variant (Variation ID: 3019926). Invitae Evidence Modeling of protein sequence and biophysical properties (such as structural, functional, and spatial information, amino acid conservation, physicochemical variation, residue mobility, and thermodynamic stability) indicates that this missense variant is not expected to disrupt COL1A1 protein function with a negative predictive value of 95%. In summary, the available evidence is currently insufficient to determine the role of this variant in disease. Therefore, it has been classified as a Variant of Uncertain Significance.